The following is an entry in ClinVar:

NM_033305.3(VPS13A):c.2814A>G (p.Pro938=)

Gene: VPS13A (vacuolar protein sorting 13 homolog A; plus strand). Cytogenetic location: 9q21.2.
Variant type: single nucleotide variant.
Coding change: c.2814A>G on transcript NM_033305.3 (MANE Select); coding-DNA position 2814, A replaced by G.
Protein change: p.Pro938=; no amino-acid change (proline 938 retained).
Molecular consequence: synonymous variant.
Genome position (GRCh38, 1-based): chr9:77,276,211, A>G. VCF-style: chr9-77276211-A-G. GRCh37 (hg19) VCF-style: chr9-79891127-A-G.
Other names: c.2814A>G, p.Pro938= (NM_001018037.2, NM_001018038.3, NM_015186.4).
Identifiers: ClinVar variation 586928 (VCV000586928.31), dbSNP rs145346590, ClinGen allele CA5092041.

ClinVar aggregate classification (germline): Conflicting classifications of pathogenicity. Review status: criteria provided, conflicting classifications (1 of 4 stars). 10 submissions from 10 submitters: Uncertain significance (1); Benign (2); Likely benign (5). 2 of the submissions do not count toward it. Last evaluated 2026-03-01.

Conditions:
VPS13A-related neurodegenerative disease. Also called: LEVINE-CRITCHLEY SYNDROME; Choreoacanthocytosis; Chorea-acanthocytosis; VPS13A Disease; Choreaacanthocytosis; ACANTHOCYTOSIS WITH NEUROLOGIC DISORDER. Identifiers: Orphanet 2388, MedGen C0393576, MONDO:0008695, OMIM 200150.

Allele frequency attached by ClinVar (database versions not stated): ESP Exome Variant Server 0.00038; ExAC 0.00042; gnomAD exomes 0.00058 and 0.00066; 1000 Genomes Project 0.00060; 1000 Genomes Project 30x 0.00062; gnomAD 0.00087 and 0.00093; TOPMed 0.00097.
gnomAD v4.1: 1,092 of 1,605,906 alleles (0.068%); highest among the groups gnomAD compares: Admixed American, 0.29%; 3 homozygotes.

Submissions (10):

CeGaT Center for Human Genetics Tuebingen
Classification: Likely benign. Last evaluated: 2026-03-01. Review status: criteria provided, single submitter. Criteria: CeGaT Center For Human Genetics Tuebingen Variant Classification Criteria Version 2. Collection method: clinical testing. Allele origin: germline. Affected: yes. Observed: 1 variant allele.
Comment: VPS13A: BP4, BP7

Labcorp Genetics (formerly Invitae), Labcorp
Classification: Likely benign. Last evaluated: 2026-02-02. Review status: criteria provided, single submitter. Criteria: Invitae Variant Classification Sherloc (09022015). Collection method: clinical testing. Allele origin: germline.

Laboratory of Genetics, Children's Clinical University Hospital Latvia
Classification: Likely benign. Last evaluated: 2025-02-16. Review status: criteria provided, single submitter. Criteria: ACMG Guidelines, 2015. Collection method: clinical testing. Allele origin: germline. Affected: yes.

Athena Diagnostics
Classification: Benign. Last evaluated: 2024-10-08. Review status: criteria provided, single submitter. Criteria: Athena Diagnostics Criteria. Collection method: clinical testing. Allele origin: unknown.

ARUP Laboratories, Molecular Genetics and Genomics, ARUP Laboratories
Classification: Benign for VPS13A-related neurodegenerative disease. Last evaluated: 2024-09-16. Review status: criteria provided, single submitter. Criteria: ARUP Molecular Germline Variant Investigation Process 2024. Collection method: clinical testing. Allele origin: germline.

Blueprint Genetics
Classification: Likely benign. Last evaluated: 2024-09-16. Review status: criteria provided, single submitter. Criteria: ACMG Guidelines, 2015. Collection method: clinical testing. Allele origin: germline.

GeneDx
Classification: Likely benign. Last evaluated: 2020-11-09. Review status: criteria provided, single submitter. Criteria: GeneDx Variant Classification Process June 2021. Collection method: clinical testing. Allele origin: germline. Affected: yes.

Illumina Laboratory Services, Illumina
Classification: Uncertain significance for VPS13A-related neurodegenerative disease. Last evaluated: 2018-01-12. Review status: criteria provided, single submitter. Criteria: ICSL Variant Classification Criteria 13 December 2019. Collection method: clinical testing. Allele origin: germline.

Clinical Genetics DNA and cytogenetics Diagnostics Lab, Erasmus MC, Erasmus Medical Center
Classification: Likely benign. Review status: no assertion criteria provided. Collection method: clinical testing. Allele origin: germline. Affected: yes. Study: VKGL Data-share Consensus. Not counted in ClinVar's aggregate classification.

Genome Diagnostics Laboratory, Amsterdam University Medical Center
Classification: Likely benign. Review status: no assertion criteria provided. Collection method: clinical testing. Allele origin: germline. Affected: yes. Study: VKGL Data-share Consensus. Not counted in ClinVar's aggregate classification.

Literature cited by the submitters: PubMed 12404112 (cited by Athena Diagnostics).